The following is an entry in ClinVar:

NM_004656.4(BAP1):c.55G>A (p.Val19Met)

Gene: BAP1 (BRCA1 associated deubiquitinase 1; minus strand). Cytogenetic location: 3p21.1.
Variant type: single nucleotide variant.
Coding change: c.55G>A on transcript NM_004656.4 (MANE Select); coding-DNA position 55, G replaced by A.
Protein change: p.Val19Met; replaces valine 19 with methionine.
Molecular consequence: missense variant.
Genome position (GRCh38, 1-based): chr3:52,409,726, C>T on the plus strand (G>A on the coding strand, the complement: BAP1 is on the minus strand). VCF-style: chr3-52409726-C-T. GRCh37 (hg19) VCF-style: chr3-52443742-C-T.
Other names: c.55G>A (NM_004656.2); short protein forms V19M.
Identifiers: ClinVar variation 920230 (VCV000920230.14), dbSNP rs745359087, ClinGen allele CA353114905.

ClinVar aggregate classification (germline): Uncertain significance. Review status: criteria provided, multiple submitters, no conflicts (2 of 4 stars). 5 submissions from 5 submitters: Uncertain significance (5). Last evaluated 2026-01-05.

Conditions:
Hereditary cancer-predisposing syndrome. Also called: Neoplastic Syndromes, Hereditary; Tumor predisposition; Hereditary Cancer Syndrome; Hereditary neoplastic syndrome. Identifiers: Orphanet 140162, MedGen C0027672, MeSH D009386, MONDO:0015356.
BAP1-related tumor predisposition syndrome (TPDS1). Also called: Tumor susceptibility linked to germline BAP1 mutations; COMMON Syndrome; TUMOR PREDISPOSITION SYNDROME 1; BAP1 tumor predisposition syndrome. Identifiers: Orphanet 289539, MedGen C3280492, MONDO:0013692, OMIM 614327.

Allele frequency attached by ClinVar (database versions not stated): TOPMed below 0.00001.

Submissions (5):

Labcorp Genetics (formerly Invitae), Labcorp
Classification: Uncertain significance for BAP1-related tumor predisposition syndrome. Last evaluated: 2026-01-05. Review status: criteria provided, single submitter. Criteria: Invitae Variant Classification Sherloc (09022015). Collection method: clinical testing. Allele origin: germline.
Comment: This sequence change replaces valine, which is neutral and non-polar, with methionine, which is neutral and non-polar, at codon 19 of the BAP1 protein (p.Val19Met). This variant is not present in population databases (gnomAD no frequency). This variant has not been reported in the literature in individuals affected with BAP1-related conditions. ClinVar contains an entry for this variant (Variation ID: 920230). Invitae Evidence Modeling of protein sequence and biophysical properties (such as structural, functional, and spatial information, amino acid conservation, physicochemical variation, residue mobility, and thermodynamic stability) indicates that this missense variant is not expected to disrupt BAP1 protein function with a negative predictive value of 80%. In summary, the available evidence is currently insufficient to determine the role of this variant in disease. Therefore, it has been classified as a Variant of Uncertain Significance.

Ambry Genetics
Classification: Uncertain significance for Hereditary cancer-predisposing syndrome. Last evaluated: 2024-10-16. Review status: criteria provided, single submitter. Criteria: Ambry Variant Classification Scheme 2023. Collection method: clinical testing. Allele origin: germline.
Comment: The p.V19M variant (also known as c.55G>A), located in coding exon 2 of the BAP1 gene, results from a G to A substitution at nucleotide position 55. The valine at codon 19 is replaced by methionine, an amino acid with highly similar properties. This amino acid position is highly conserved in available vertebrate species. In addition, the in silico prediction for this alteration is inconclusive. Based on the available evidence, the clinical significance of this variant remains unclear.

Color Diagnostics, LLC DBA Color Health
Classification: Uncertain significance for Hereditary cancer-predisposing syndrome. Last evaluated: 2024-03-06. Review status: criteria provided, single submitter. Criteria: ACMG Guidelines, 2015. Collection method: clinical testing. Allele origin: germline.
Comment: This missense variant replaces valine with methionine at codon 19 of the BAP1 protein. Computational prediction suggests that this variant may not impact protein structure and function (internally defined REVEL score threshold <= 0.5, PMID: 27666373). Splice site prediction tools suggest that this variant may not impact RNA splicing. To our knowledge, functional studies have not been performed for this variant. This variant has not been reported in individuals affected with hereditary cancer in the literature. This variant has not been identified in the general population by the Genome Aggregation Database (gnomAD). The available evidence is insufficient to determine the role of this variant in disease conclusively. Therefore, this variant is classified as a Variant of Uncertain Significance.

Baylor Genetics
Classification: Uncertain significance for BAP1-related tumor predisposition syndrome. Last evaluated: 2023-08-01. Review status: criteria provided, single submitter. Criteria: ACMG Guidelines, 2015. Collection method: clinical testing. Allele origin: unknown.

GeneDx
Classification: Uncertain significance. Last evaluated: 2023-04-04. Review status: criteria provided, single submitter. Criteria: GeneDx Variant Classification Process June 2021. Collection method: clinical testing. Allele origin: germline. Affected: yes.
Comment: Not observed at significant frequency in large population cohorts (gnomAD); In silico analysis supports that this missense variant does not alter protein structure/function; Has not been previously published as pathogenic or benign to our knowledge